The following is an entry in ClinVar:

ClinVar aggregate classification (germline): Uncertain significance (1 of 4 stars; one submission).

Conditions:
Gastrointestinal stromal tumor. Also called: Gastrointestinal stromal tumor, somatic; Gastrointestinal stroma tumor. Identifiers: Orphanet 44890, MedGen C0238198, MeSH D046152, MONDO:0011719, OMIM 606764, HP:0100723.

Submission:

Labcorp Genetics (formerly Invitae), Labcorp
Classification: Uncertain significance for Gastrointestinal stromal tumor. Last evaluated: 2018-10-11. Review status: criteria provided, single submitter. Criteria: Invitae Variant Classification Sherloc (09022015). Collection method: clinical testing. Allele origin: germline.
Comment: This sequence change replaces serine with asparagine at codon 1055 of the PDGFRA protein (p.Ser1055Asn). The serine residue is highly conserved and there is a small physicochemical difference between serine and asparagine. This variant is not present in population databases (ExAC no frequency). This variant has not been reported in the literature in individuals with PDGFRA-related disease. Algorithms developed to predict the effect of missense changes on protein structure and function are either unavailable or do not agree on the potential impact of this missense change (SIFT: "Tolerated"; PolyPhen-2: "Probably Damaging"; Align-GVGD: "Class C0"). In summary, the available evidence is currently insufficient to determine the role of this variant in disease. Therefore, it has been classified as a Variant of Uncertain Significance.

NM_006206.6(PDGFRA):c.3164G>A (p.Ser1055Asn)

Gene: PDGFRA (platelet derived growth factor receptor alpha; plus strand). Cytogenetic location: 4q12.
Variant type: single nucleotide variant.
Coding change: c.3164G>A on transcript NM_006206.6 (MANE Select); coding-DNA position 3164, G replaced by A.
Protein change: p.Ser1055Asn; replaces serine 1055 with asparagine.
Molecular consequence: missense variant.
Genome position (GRCh38, 1-based): chr4:54,295,166, G>A. VCF-style: chr4-54295166-G-A. GRCh37 (hg19) VCF-style: chr4-55161333-G-A.
Other names: c.3239G>A, p.Ser1080Asn (NM_001347828.2); c.3164G>A, p.Ser1055Asn (NM_001347829.2); c.3203G>A, p.Ser1068Asn (NM_001347830.2); short protein forms S1068N, S1080N, S1055N.
Identifiers: ClinVar variation 664801 (VCV000664801.9), dbSNP rs1577755565, ClinGen allele CA356896530.